The following is an entry in ClinVar:

ClinVar aggregate classification (germline): Uncertain significance (1 of 4 stars; one submission).

Conditions:
Perry syndrome. Also called: PARKINSONISM WITH ALVEOLAR HYPOVENTILATION AND MENTAL DEPRESSION. Identifiers: Orphanet 178509, MedGen C1868594, MONDO:0008201, OMIM 168605.
Neuronopathy, distal hereditary motor, type 7B. Also called: HMN VIIB; LOWER MOTOR NEURON DISEASE, DYNACTIN TYPE; Distal Hereditary Motor Neuronopathy Type 7B (dHMN7B); NEURONOPATHY, DISTAL HEREDITARY MOTOR, AUTOSOMAL DOMINANT 14; NEURONOPATHY, DISTAL HEREDITARY MOTOR, HARDING TYPE VIIB; NEUROPATHY, DISTAL HEREDITARY MOTOR, HARDING TYPE VIIB. Identifiers: Orphanet 139589, MedGen C1843315, MONDO:0011879, OMIM 607641.
Amyotrophic lateral sclerosis type 1 (ALS1). Also called: AMYOTROPHIC LATERAL SCLEROSIS 1, FAMILIAL. Identifiers: Orphanet 803, MedGen C1862939, MONDO:0007103, OMIM 105400.

Allele frequency attached by ClinVar (database versions not stated): TOPMed below 0.00001.

Submission:

Labcorp Genetics (formerly Invitae), Labcorp
Classification: Uncertain significance for Amyotrophic lateral sclerosis type 1; Neuronopathy, distal hereditary motor, type 7B; Perry syndrome. Last evaluated: 2022-07-31. Review status: criteria provided, single submitter. Criteria: Invitae Variant Classification Sherloc (09022015). Collection method: clinical testing. Allele origin: germline.
Comment: Algorithms developed to predict the effect of missense changes on protein structure and function are either unavailable or do not agree on the potential impact of this missense change (SIFT: "Deleterious"; PolyPhen-2: "Benign"; Align-GVGD: "Class C15"). In summary, the available evidence is currently insufficient to determine the role of this variant in disease. Therefore, it has been classified as a Variant of Uncertain Significance. This variant has not been reported in the literature in individuals affected with DCTN1-related conditions. This variant is not present in population databases (gnomAD no frequency). This sequence change replaces serine, which is neutral and polar, with leucine, which is neutral and non-polar, at codon 1251 of the DCTN1 protein (p.Ser1251Leu).

NM_004082.5(DCTN1):c.3752C>T (p.Ser1251Leu)

Gene: DCTN1 (dynactin subunit 1; minus strand). Cytogenetic location: 2p13.1.
Variant type: single nucleotide variant.
Coding change: c.3752C>T on transcript NM_004082.5 (MANE Select); coding-DNA position 3752, C replaced by T.
Protein change: p.Ser1251Leu; replaces serine 1251 with leucine.
Molecular consequence: missense variant. On other transcripts: non-coding transcript variant (1).
Genome position (GRCh38, 1-based): chr2:74,361,584, G>A on the plus strand (C>T on the coding strand, the complement: DCTN1 is on the minus strand). VCF-style: chr2-74361584-G-A. GRCh37 (hg19) VCF-style: chr2-74588711-G-A.
Other names: c.3677C>T, p.Ser1226Leu (NM_001135040.3); c.3335C>T, p.Ser1112Leu (NM_001135041.3); c.3626C>T, p.Ser1209Leu (NM_001190836.2); c.3731C>T, p.Ser1244Leu (NM_001190837.2); c.3701C>T, p.Ser1234Leu (NM_001378991.1); c.3683C>T, p.Ser1228Leu (NM_001378992.1); c.3350C>T, p.Ser1117Leu (NM_023019.4); short protein forms S1112L, S1209L, S1226L, S1234L, S1251L, S1117L, S1228L, S1244L.
Identifiers: ClinVar variation 1909110 (VCV001909110.5), dbSNP rs950508502, ClinGen allele CA50473943.